The following is an entry in ClinVar:

NM_002778.4(PSAP):c.1452G>A (p.Ser484=)

Gene: PSAP (prosaposin; minus strand). Cytogenetic location: 10q22.1.
Variant type: single nucleotide variant.
Coding change: c.1452G>A on transcript NM_002778.4 (MANE Select); coding-DNA position 1452, G replaced by A.
Protein change: p.Ser484=; no amino-acid change (serine 484 retained).
Molecular consequence: synonymous variant.
Genome position (GRCh38, 1-based): chr10:71,818,704, C>T on the plus strand (G>A on the coding strand, the complement: PSAP is on the minus strand). VCF-style: chr10-71818704-C-T. GRCh37 (hg19) VCF-style: chr10-73578461-C-T.
Other names: c.1461G>A, p.Ser487= (NM_001042465.3); c.1458G>A, p.Ser486= (NM_001042466.3).
Identifiers: ClinVar variation 300509 (VCV000300509.19), dbSNP rs114389264, ClinGen allele CA5547330.

ClinVar aggregate classification (germline): Benign/Likely benign. Review status: criteria provided, multiple submitters, no conflicts (2 of 4 stars). 9 submissions from 6 submitters: Benign (7); Likely benign (1). 1 of the submissions does not count toward it. Last evaluated 2026-02-03.

Conditions:
Krabbe disease due to saposin A deficiency. Also called: KRABBE DISEASE, ATYPICAL, DUE TO SAPOSIN A DEFICIENCY; Saposin A Deficiency. Identifiers: Orphanet 487, MedGen C2673266, MONDO:0012720, OMIM 611722.
Combined PSAP deficiency (PSAPD). Also called: Encephalopathy due to prosaposin deficiency; COMBINED SAP DEFICIENCY; PROSAPOSIN DEFICIENCY. Identifiers: Orphanet 139406, MedGen C2673635, MONDO:0012719, OMIM 611721.
Gaucher disease due to saposin C deficiency. Also called: Saposin C Deficiency; Atypical Gaucher disease due to saposin C deficiency. Identifiers: Orphanet 309252, Orphanet 355, MedGen C1864651, MONDO:0012517, OMIM 610539.
Sphingolipid activator protein 1 deficiency. Also called: Saposin B Deficiency; METACHROMATIC LEUKODYSTROPHY DUE TO CEREBROSIDE SULFATASE ACTIVATOR DEFICIENCY; Metachromatic leukodystrophy due to saposin B deficiency. Identifiers: Orphanet 512, MedGen C0268262, MONDO:0009590, OMIM 249900.
Galactosylceramide beta-galactosidase deficiency. Also called: GALACTOCEREBROSIDASE DEFICIENCY; GALC DEFICIENCY; GLOBOID CELL LEUKOENCEPHALOPATHY; Krabbe Disease; Leukodystrophy, Globoid Cell. Identifiers: Orphanet 487, MedGen C0023521, MONDO:0009499, OMIM 245200.

Allele frequency attached by ClinVar (database versions not stated): gnomAD exomes 0.00182; ExAC 0.00243; 1000 Genomes Project 0.00579; 1000 Genomes Project 30x 0.00640; gnomAD 0.00710 and 0.00778; TOPMed 0.00816; ESP Exome Variant Server 0.00853.
gnomAD v4.1: 2,056 of 1,613,902 alleles (0.13%); highest among the groups gnomAD compares: African/African-American, 2.5%; 26 homozygotes.

Submissions (9):

Labcorp Genetics (formerly Invitae), Labcorp
Classification: Benign for Sphingolipid activator protein 1 deficiency. Last evaluated: 2026-02-03. Review status: criteria provided, single submitter. Criteria: Invitae Variant Classification Sherloc (09022015). Collection method: clinical testing. Allele origin: germline.

Blueprint Genetics
Classification: Likely benign. Last evaluated: 2024-11-13. Review status: criteria provided, single submitter. Criteria: ACMG Guidelines, 2015. Collection method: clinical testing. Allele origin: germline.

GeneDx
Classification: Benign. Last evaluated: 2019-03-29. Review status: criteria provided, single submitter. Criteria: GeneDx Variant Classification Process June 2021. Collection method: clinical testing. Allele origin: germline. Affected: yes.

Illumina Laboratory Services, Illumina
Classification: Benign for Gaucher disease due to saposin C deficiency. Last evaluated: 2018-01-13. Review status: criteria provided, single submitter. Criteria: ICSL Variant Classification Criteria 13 December 2019. Collection method: clinical testing. Allele origin: germline.
Comment: This variant was observed in the ICSL laboratory as part of a predisposition screen in an ostensibly healthy population. It had not been previously curated by ICSL or reported in the Human Gene Mutation Database (HGMD: prior to June 1st, 2018), and was therefore a candidate for classification through an automated scoring system. Utilizing variant allele frequency, disease prevalence and penetrance estimates, and inheritance mode, an automated score was calculated to assess if this variant is too frequent to cause the disease. Based on the score and internal cut-off values, a variant classified as benign is not then subjected to further curation. The score for this variant resulted in a classification of benign for this disease.

Illumina Laboratory Services, Illumina
Classification: Benign for Sphingolipid activator protein 1 deficiency. Last evaluated: 2018-01-13. Review status: criteria provided, single submitter. Criteria: ICSL Variant Classification Criteria 13 December 2019. Collection method: clinical testing. Allele origin: germline.
Comment: the same text as in the submission from Illumina Laboratory Services, Illumina above.

Illumina Laboratory Services, Illumina
Classification: Benign for Krabbe disease due to saposin A deficiency. Last evaluated: 2018-01-13. Review status: criteria provided, single submitter. Criteria: ICSL Variant Classification Criteria 13 December 2019. Collection method: clinical testing. Allele origin: germline.
Comment: the same text as in the submission from Illumina Laboratory Services, Illumina above.

Illumina Laboratory Services, Illumina
Classification: Benign for Combined PSAP deficiency. Last evaluated: 2018-01-13. Review status: criteria provided, single submitter. Criteria: ICSL Variant Classification Criteria 13 December 2019. Collection method: clinical testing. Allele origin: germline.
Comment: the same text as in the submission from Illumina Laboratory Services, Illumina above.

Breakthrough Genomics
Classification: Benign. Review status: criteria provided, single submitter. Criteria: ACMG Guidelines, 2015. Collection method: not provided. Allele origin: germline. Inheritance: Autosomal recessive inheritance. Affected: yes.

Natera, Inc.
Classification: Benign for Galactosylceramide beta-galactosidase deficiency. Last evaluated: 2020-09-16. Review status: no assertion criteria provided. Collection method: clinical testing. Allele origin: germline. Not counted in ClinVar's aggregate classification.